The following is an entry in ClinVar:

NM_016955.4(SEPSECS):c.1213G>T (p.Val405Phe)

Gene: SEPSECS (Sep (O-phosphoserine) tRNA:Sec (selenocysteine) tRNA synthase; minus strand). Cytogenetic location: 4p15.2.
Variant type: single nucleotide variant.
Coding change: c.1213G>T on transcript NM_016955.4 (MANE Select); coding-DNA position 1213, G replaced by T.
Protein change: p.Val405Phe; replaces valine 405 with phenylalanine.
Molecular consequence: missense variant.
Genome position (GRCh38, 1-based): chr4:25,124,224, C>A on the plus strand (G>T on the coding strand, the complement: SEPSECS is on the minus strand). VCF-style: chr4-25124224-C-A. GRCh37 (hg19) VCF-style: chr4-25125846-C-A.
Other names: short protein forms V405F.
Identifiers: ClinVar variation 1302369 (VCV001302369.2), dbSNP rs2109479574, ClinGen allele CA356519735.
Genomic context (GRCh38, chr4:25,124,224, plus strand): 5'-GTGACATAAAGCCTCTGAAAGTATAGCCACTCACAGTTTGCATGGACCCAAGAGGCACAA[C>A]CCTGAAAGAAGAAAGATTTACCAATTTAATATGTCTGGTAATGGTAACACAATGTCACCC-3'
Protein context (NP_058651.3, residues 395-415): LFTRQVSGAR[Val405Phe]VPLGSMQTVS

ClinVar aggregate classification (germline): Uncertain significance (1 of 4 stars; one submission).

Allele frequency attached by ClinVar (database versions not stated): gnomAD exomes 0.00001.
gnomAD v4.1: 8 of 1,612,948 alleles (0.0005%); highest among the groups gnomAD compares: Non-Finnish European, 0.00068%; no homozygotes.

Submission:

GeneDx
Classification: Uncertain significance. Last evaluated: 2019-07-29. Review status: criteria provided, single submitter. Criteria: GeneDx Variant Classification Process June 2021. Collection method: clinical testing. Allele origin: germline. Affected: yes.
Comment: Not observed in large population cohorts (Lek et al., 2016); In silico analysis, which includes protein predictors and evolutionary conservation, supports a deleterious effect; Has not been previously published as pathogenic or benign to our knowledge